The following is an entry in ClinVar:

NM_198271.5(LMOD3):c.1543_1544del (p.Ile515fs)

Gene: LMOD3 (leiomodin 3; minus strand). Cytogenetic location: 3p14.1.
Variant type: Deletion.
Coding change: c.1543_1544del on transcript NM_198271.5 (MANE Select); coding-DNA positions 1543 to 1544, 2 bases deleted (AT; older notation c.1543_1544delAT).
Protein change: p.Ile515fs; shifts the reading frame from isoleucine 515.
Molecular consequence: frameshift variant.
Genome position (GRCh38, 1-based): chr3:69,118,811-69,118,812, AT deleted on the plus strand (AT on the coding strand, the reverse complement: LMOD3 is on the minus strand). VCF-style (leftmost placement, unchanged base first): chr3-69118810-GAT-G. GRCh37 (hg19) VCF-style: chr3-69167961-GAT-G.
Other names: c.1543_1544del, p.Ile515fs (NM_001304418.3); short protein forms I515fs.
Identifiers: ClinVar variation 3656192 (VCV003656192.2).

ClinVar aggregate classification (germline): Pathogenic (1 of 4 stars; one submission).

Conditions:
Nemaline myopathy 10 (NEM10). Identifiers: MedGen C4015360, MONDO:0014513, OMIM 616165.

Submission:

Labcorp Genetics (formerly Invitae), Labcorp
Classification: Pathogenic for Nemaline myopathy 10. Last evaluated: 2024-06-12. Review status: criteria provided, single submitter. Criteria: Invitae Variant Classification Sherloc (09022015). Collection method: clinical testing. Allele origin: germline.
Comment: This sequence change creates a premature translational stop signal (p.Ile515Glnfs*36) in the LMOD3 gene. While this is not anticipated to result in nonsense mediated decay, it is expected to disrupt the last 46 amino acid(s) of the LMOD3 protein. This variant is not present in population databases (gnomAD no frequency). This variant has not been reported in the literature in individuals affected with LMOD3-related conditions. This variant disrupts a region of the LMOD3 protein in which other variant(s) (p.Leu550Phe) have been determined to be pathogenic (PMID: 30291184). This suggests that this is a clinically significant region of the protein, and that variants that disrupt it are likely to be disease-causing. For these reasons, this variant has been classified as Pathogenic.

Literature cited by the submitters: PubMed 30291184.